The following is an entry in ClinVar:

ClinVar aggregate classification (germline): Conflicting classifications of pathogenicity. Review status: criteria provided, conflicting classifications (1 of 4 stars). 4 submissions from 4 submitters: Uncertain significance (1); Likely benign (3). Last evaluated 2026-02-23.

Conditions:
NDP-related disorder. Also called: NDP-related condition.

Allele frequency attached by ClinVar (database versions not stated): TOPMed 0.00002; gnomAD 0.00003 and 0.00004; gnomAD exomes 0.00012 and 0.00009; 1000 Genomes Project 30x 0.00021; 1000 Genomes Project 0.00026; ExAC 0.00009.
gnomAD v4.1: 102 of 1,210,071 alleles (0.0084%); highest among the groups gnomAD compares: East Asian, 0.3%; 1 homozygote.

Submissions (4):

PreventionGenetics, part of Exact Sciences
Classification: Likely benign for NDP-related condition. Last evaluated: 2026-02-23. Review status: criteria provided, single submitter. Criteria: ACMG Guidelines, 2015. Collection method: clinical testing. Allele origin: germline.
Comment: This variant is classified as likely benign based on ACMG/AMP sequence variant interpretation guidelines (Richards et al. 2015 PMID: 25741868, with internal and published modifications).

Labcorp Genetics (formerly Invitae), Labcorp
Classification: Likely benign. Last evaluated: 2024-08-09. Review status: criteria provided, single submitter. Criteria: Invitae Variant Classification Sherloc (09022015). Collection method: clinical testing. Allele origin: germline.

Mendelics
Classification: Uncertain significance. Last evaluated: 2022-05-04. Review status: criteria provided, single submitter. Criteria: Mendelics Assertion Criteria 2019. Collection method: clinical testing. Allele origin: germline.

Blueprint Genetics
Classification: Likely benign. Last evaluated: 2022-04-22. Review status: criteria provided, single submitter. Criteria: ACMG Guidelines, 2015. Collection method: clinical testing. Allele origin: germline.

NM_000266.4(NDP):c.58G>A (p.Gly20Arg)

Genes: NDP (norrin cystine knot growth factor NDP; minus strand), NDP-AS1 (NDP antisense RNA 1; plus strand). Cytogenetic location: Xp11.3.
Variant type: single nucleotide variant.
Coding change: c.58G>A on transcript NM_000266.4 (MANE Select); coding-DNA position 58, G replaced by A.
Protein change: p.Gly20Arg; replaces glycine 20 with arginine.
Molecular consequence: missense variant.
Genome position (GRCh38, 1-based): chrX:43,958,588, C>T on the plus strand (G>A on the coding strand, the complement: NDP is on the minus strand). VCF-style: chrX-43958588-C-T. GRCh37 (hg19) VCF-style: chrX-43817834-C-T.
Other names: c.58G>A (NM_000266.3); short protein forms G20R.
Identifiers: ClinVar variation 1138333 (VCV001138333.12), dbSNP rs200594881, ClinGen allele CA10391453.